The following is an entry in ClinVar:

NM_016203.4(PRKAG2):c.397G>T (p.Glu133Ter)

Gene: PRKAG2 (protein kinase AMP-activated non-catalytic subunit gamma 2; minus strand). Cytogenetic location: 7q36.1.
Variant type: single nucleotide variant.
Coding change: c.397G>T on transcript NM_016203.4 (MANE Select); coding-DNA position 397, G replaced by T.
Protein change: p.Glu133Ter; replaces glutamic acid 133 with a stop codon.
Molecular consequence: nonsense. On other transcripts: intron variant (1).
Genome position (GRCh38, 1-based): chr7:151,781,221, C>A on the plus strand (G>T on the coding strand, the complement: PRKAG2 is on the minus strand). VCF-style: chr7-151781221-C-A. GRCh37 (hg19) VCF-style: chr7-151478307-C-A.
Other names: c.265G>T, p.Glu89Ter (NM_001040633.2, NM_001407024.1, NM_001407026.1 and 2 more transcripts); c.397G>T, p.Glu133Ter (NM_001407021.1, NM_001407022.1, NM_001407023.1 and 2 more transcripts); c.148+33195G>T (NM_001407032.1); short protein forms E89*, E133*.
Identifiers: ClinVar variation 3657742 (VCV003657742.2).
Genomic context (GRCh38, chr7:151,781,221, plus strand): 5'-AGCGGGAGAAAAACCTGATGCCCCCGGGCGAGGTAGCAGGGTTGGAGTTGGGGGAAGACT[C>A]TTTGGAGGAGGAGCGGAAGATCCCACTGAAGCTCATGCGTCGAGGGGAGCGTGGCGGGGA-3'

ClinVar aggregate classification (germline): Uncertain significance (1 of 4 stars; one submission).

Conditions:
Lethal congenital glycogen storage disease of heart. Also called: PHOSPHORYLASE KINASE DEFICIENCY OF HEART; GLYCOGEN STORAGE DISEASE OF HEART. Identifiers: Orphanet 439854, MedGen C1849813, MONDO:0009867, OMIM 261740.

Submission:

Labcorp Genetics (formerly Invitae), Labcorp
Classification: Uncertain significance for Lethal congenital glycogen storage disease of heart. Last evaluated: 2024-06-25. Review status: criteria provided, single submitter. Criteria: Invitae Variant Classification Sherloc (09022015). Collection method: clinical testing. Allele origin: germline.
Comment: This sequence change creates a premature translational stop signal (p.Glu133*) in the PRKAG2 gene. It is expected to result in an absent or disrupted protein product. However, the current clinical and genetic evidence is not sufficient to establish whether loss-of-function variants in PRKAG2 cause disease. This variant is not present in population databases (gnomAD no frequency). This variant has not been reported in the literature in individuals affected with PRKAG2-related conditions. In summary, the available evidence is currently insufficient to determine the role of this variant in disease. Therefore, it has been classified as a Variant of Uncertain Significance.